The following is an entry in ClinVar:

NM_001211.6(BUB1B):c.2194A>C (p.Lys732Gln)

Gene: BUB1B (BUB1 mitotic checkpoint serine/threonine kinase B; plus strand). Cytogenetic location: 15q15.1.
Variant type: single nucleotide variant.
Coding change: c.2194A>C on transcript NM_001211.6 (MANE Select); coding-DNA position 2194, A replaced by C.
Protein change: p.Lys732Gln; replaces lysine 732 with glutamine.
Molecular consequence: missense variant.
Genome position (GRCh38, 1-based): chr15:40,209,685, A>C. VCF-style: chr15-40209685-A-C. GRCh37 (hg19) VCF-style: chr15-40501886-A-C.
Other names: short protein forms K732Q.
Identifiers: ClinVar variation 3221381 (VCV003221381.1), dbSNP rs2542571698, ClinGen allele CA391694307.

ClinVar aggregate classification (germline): Uncertain significance (1 of 4 stars; one submission).

Conditions:
Inborn genetic diseases. Identifiers: MedGen C0950123, MeSH D030342.

Submission:

Ambry Genetics
Classification: Uncertain significance for Inborn genetic diseases. Last evaluated: 2023-10-13. Review status: criteria provided, single submitter. Criteria: Ambry Variant Classification Scheme 2023. Collection method: clinical testing. Allele origin: germline.
Comment: The p.K732Q variant (also known as c.2194A>C), located in coding exon 17 of the BUB1B gene, results from an A to C substitution at nucleotide position 2194. The lysine at codon 732 is replaced by glutamine, an amino acid with similar properties. This amino acid position is conserved. In addition, this alteration is predicted to be tolerated by in silico analysis. Since supporting evidence is limited at this time, the clinical significance of this alteration remains unclear.